The following is an entry in ClinVar:

ClinVar aggregate classification (germline): Uncertain significance. Review status: criteria provided, multiple submitters, no conflicts (2 of 4 stars). 2 submissions from 2 submitters: Uncertain significance (2). Last evaluated 2023-12-29.

Conditions:
Cardiovascular phenotype. Identifiers: MedGen CN230736.
Hypertrophic cardiomyopathy 14. Identifiers: MedGen C2750467, MONDO:0013197, OMIM 613251.

Allele frequency attached by ClinVar (database versions not stated): TOPMed below 0.00001; gnomAD exomes 0.00001.

Submissions (2):

Ambry Genetics
Classification: Uncertain significance for Cardiovascular phenotype. Last evaluated: 2023-12-29. Review status: criteria provided, single submitter. Criteria: Ambry Variant Classification Scheme 2023. Collection method: clinical testing. Allele origin: germline.
Comment: The p.D1210N variant (also known as c.3628G>A), located in coding exon 24 of the MYH6 gene, results from a G to A substitution at nucleotide position 3628. The aspartic acid at codon 1210 is replaced by asparagine, an amino acid with highly similar properties. This amino acid position is conserved. In addition, this alteration is predicted to be tolerated by in silico analysis. Since supporting evidence is limited at this time, the clinical significance of this alteration remains unclear.

Labcorp Genetics (formerly Invitae), Labcorp
Classification: Uncertain significance for Hypertrophic cardiomyopathy 14. Last evaluated: 2022-02-08. Review status: criteria provided, single submitter. Criteria: Invitae Variant Classification Sherloc (09022015). Collection method: clinical testing. Allele origin: germline.
Comment: In summary, the available evidence is currently insufficient to determine the role of this variant in disease. Therefore, it has been classified as a Variant of Uncertain Significance. Algorithms developed to predict the effect of missense changes on protein structure and function are either unavailable or do not agree on the potential impact of this missense change (SIFT: "Deleterious"; PolyPhen-2: "Probably Damaging"; Align-GVGD: "Class C0"). This variant has not been reported in the literature in individuals affected with MYH6-related conditions. This variant is present in population databases (no rsID available, gnomAD 0.003%). This sequence change replaces aspartic acid, which is acidic and polar, with asparagine, which is neutral and polar, at codon 1210 of the MYH6 protein (p.Asp1210Asn).

NM_002471.4(MYH6):c.3628G>A (p.Asp1210Asn)

Gene: MYH6 (myosin heavy chain 6; minus strand). Cytogenetic location: 14q11.2.
Variant type: single nucleotide variant.
Coding change: c.3628G>A on transcript NM_002471.4 (MANE Select); coding-DNA position 3628, G replaced by A.
Protein change: p.Asp1210Asn; replaces aspartic acid 1210 with asparagine.
Molecular consequence: missense variant.
Genome position (GRCh38, 1-based): chr14:23,390,161, C>T on the plus strand (G>A on the coding strand, the complement: MYH6 is on the minus strand). VCF-style: chr14-23390161-C-T. GRCh37 (hg19) VCF-style: chr14-23859370-C-T.
Other names: short protein forms D1210N.
Identifiers: ClinVar variation 2197816 (VCV002197816.5), dbSNP rs1396641952, ClinGen allele CA389005672.